The following is an entry in ClinVar:

NM_000245.4(MET):c.174T>G (p.His58Gln)

Gene: MET (MET proto-oncogene, receptor tyrosine kinase; plus strand). Cytogenetic location: 7q31.2.
Variant type: single nucleotide variant.
Coding change: c.174T>G on transcript NM_000245.4 (MANE Select); coding-DNA position 174, T replaced by G.
Protein change: p.His58Gln; replaces histidine 58 with glutamine.
Molecular consequence: missense variant. On other transcripts: intron variant (1).
Genome position (GRCh38, 1-based): chr7:116,699,258, T>G. VCF-style: chr7-116699258-T-G. GRCh37 (hg19) VCF-style: chr7-116339312-T-G.
Other names: c.174T>G, p.His58Gln (NM_001127500.3, NM_001324401.3); c.-91+26681T>G (NM_001324402.2); short protein forms H58Q.
Identifiers: ClinVar variation 485782 (VCV000485782.11), dbSNP rs1554378291, ClinGen allele CA368968497.

ClinVar aggregate classification (germline): Uncertain significance. Review status: criteria provided, multiple submitters, no conflicts (2 of 4 stars). 2 submissions from 2 submitters: Uncertain significance (2). Last evaluated 2026-07-24.

Conditions:
Hereditary cancer-predisposing syndrome. Also called: Neoplastic Syndromes, Hereditary; Hereditary neoplastic syndrome; Hereditary Cancer Syndrome; Tumor predisposition. Identifiers: Orphanet 140162, MedGen C0027672, MeSH D009386, MONDO:0015356.
Renal cell carcinoma. Identifiers: Orphanet 217071, MedGen C0007134, MeSH D002292, MONDO:0005086, HP:0005584.

Submissions (2):

Ambry Genetics
Classification: Uncertain significance for Hereditary cancer-predisposing syndrome. Last evaluated: 2026-07-24. Review status: criteria provided, single submitter. Criteria: Ambry Variant Classification Scheme 2023. Collection method: clinical testing. Allele origin: germline.
Comment: The p.H58Q variant (also known as c.174T>G), located in coding exon 1 of the MET gene, results from a T to G substitution at nucleotide position 174. The histidine at codon 58 is replaced by glutamine, an amino acid with highly similar properties. This variant was reported in individual(s) with features consistent with MET-related papillary renal cell carcinoma (Ambry internal data). This amino acid position is not well conserved in available vertebrate species. In addition, this alteration is predicted to be tolerated by in silico analysis. Based on the available evidence, the clinical significance of this variant remains unclear.

Labcorp Genetics (formerly Invitae), Labcorp
Classification: Uncertain significance for Renal cell carcinoma. Last evaluated: 2022-01-27. Review status: criteria provided, single submitter. Criteria: Invitae Variant Classification Sherloc (09022015). Collection method: clinical testing. Allele origin: germline.
Comment: This variant has not been reported in the literature in individuals affected with MET-related conditions. This sequence change replaces histidine, which is basic and polar, with glutamine, which is neutral and polar, at codon 58 of the MET protein (p.His58Gln). This variant is not present in population databases (gnomAD no frequency). ClinVar contains an entry for this variant (Variation ID: 485782). Algorithms developed to predict the effect of missense changes on protein structure and function are either unavailable or do not agree on the potential impact of this missense change (SIFT: "Tolerated"; PolyPhen-2: "Possibly Damaging"; Align-GVGD: "Class C0"). Algorithms developed to predict the effect of sequence changes on RNA splicing suggest that this variant may create or strengthen a splice site. In summary, the available evidence is currently insufficient to determine the role of this variant in disease. Therefore, it has been classified as a Variant of Uncertain Significance.